The following is an entry in ClinVar:

ClinVar aggregate classification (germline): Likely benign (0 of 4 stars; one submission).

Conditions:
RAB18-related disorder. Also called: RAB18-related condition.

Allele frequency attached by ClinVar (database versions not stated): TOPMed below 0.00001; ExAC 0.00001; gnomAD 0.00001; gnomAD exomes 0.00001.
gnomAD v4.1: 15 of 1,609,876 alleles (0.00093%); highest among the groups gnomAD compares: Admixed American, 0.0017%; no homozygotes.

Submission:

PreventionGenetics, part of Exact Sciences
Classification: Likely benign for RAB18-related condition. Last evaluated: 2023-05-08. Review status: no assertion criteria provided. Collection method: clinical testing. Allele origin: germline.
Comment: This variant is classified as likely benign based on ACMG/AMP sequence variant interpretation guidelines (Richards et al. 2015 PMID: 25741868, with internal and published modifications).

NM_021252.5(RAB18):c.393C>T (p.Val131=)

Gene: RAB18 (RAB18, member RAS oncogene family; plus strand). Cytogenetic location: 10p12.1.
Variant type: single nucleotide variant.
Coding change: c.393C>T on transcript NM_021252.5 (MANE Select); coding-DNA position 393, C replaced by T.
Protein change: p.Val131=; no amino-acid change (valine 131 retained).
Molecular consequence: synonymous variant. On other transcripts: non-coding transcript variant (1), intron variant (1).
Genome position (GRCh38, 1-based): chr10:27,533,942, C>T. VCF-style: chr10-27533942-C-T. GRCh37 (hg19) VCF-style: chr10-27822871-C-T.
Other names: c.480C>T, p.Val160= (NM_001256410.2); c.201C>T, p.Val67= (NM_001256412.2); c.378+89C>T (NM_001256411.2).
Identifiers: ClinVar variation 3029842 (VCV003029842.2), dbSNP rs769837798, ClinGen allele CA5452390.